The following is an entry in ClinVar:

ClinVar aggregate classification (germline): Uncertain significance (1 of 4 stars; one submission).

Conditions:
Cardiovascular phenotype. Identifiers: MedGen CN230736.

gnomAD v4.1: 1 of 1,612,418 alleles (0.000062%); highest among the groups gnomAD compares: Non-Finnish European, 0.000085%; no homozygotes.

Submission:

Ambry Genetics
Classification: Uncertain significance for Cardiovascular phenotype. Last evaluated: 2021-03-22. Review status: criteria provided, single submitter. Criteria: Ambry Variant Classification Scheme 2023. Collection method: clinical testing. Allele origin: germline.
Comment: The p.R2920* variant (also known as c.8758C>T), located in coding exon 60 of the RYR2 gene, results from a C to T substitution at nucleotide position 8758. This changes the amino acid from an arginine to a stop codon within coding exon 60. This alteration is expected to result in premature protein truncation or nonsense-mediated mRNA decay. However, loss of function of RYR2 has not been clearly established as a mechanism of disease. Since supporting evidence is limited at this time, the clinical significance of this alteration remains unclear.

NM_001035.3(RYR2):c.8758C>T (p.Arg2920Ter)

Gene: RYR2 (ryanodine receptor 2; plus strand). Cytogenetic location: 1q43.
Variant type: single nucleotide variant.
Coding change: c.8758C>T on transcript NM_001035.3 (MANE Select); coding-DNA position 8758, C replaced by T.
Protein change: p.Arg2920Ter; replaces arginine 2920 with a stop codon.
Molecular consequence: nonsense.
Genome position (GRCh38, 1-based): chr1:237,674,774, C>T. VCF-style: chr1-237674774-C-T. GRCh37 (hg19) VCF-style: chr1-237838074-C-T.
Other names: short protein forms R2920*.
Identifiers: ClinVar variation 1764556 (VCV001764556.2), dbSNP rs767451825, ClinGen allele CA087723.